The following is an entry in ClinVar:

NM_006231.4(POLE):c.6103C>T (p.Gln2035Ter)

Gene: POLE (DNA polymerase epsilon, catalytic subunit; minus strand). Cytogenetic location: 12q24.33.
Variant type: single nucleotide variant.
Coding change: c.6103C>T on transcript NM_006231.4 (MANE Select); coding-DNA position 6103, C replaced by T.
Protein change: p.Gln2035Ter; replaces glutamine 2035 with a stop codon.
Molecular consequence: nonsense.
Genome position (GRCh38, 1-based): chr12:132,632,697, G>A on the plus strand (C>T on the coding strand, the complement: POLE is on the minus strand). VCF-style: chr12-132632697-G-A. GRCh37 (hg19) VCF-style: chr12-133209283-G-A.
Other names: short protein forms Q2035*.
Identifiers: ClinVar variation 577590 (VCV000577590.16), dbSNP rs757478410, ClinGen allele CA6892282.
Genomic context (GRCh38, chr12:132,632,697, plus strand): 5'-GGCCTCAAAAGACAAAAGACTGCTCACCGGGAAGGGCTCCGACCGCCCCCTCGGCCTCCT[G>A]GGAGAGCTGGCTGGCCCCCCTCCTCCTCACGGGGGTGCTCCCTGGAGCACTGCGCCTCAG-3'

ClinVar aggregate classification (germline): Conflicting classifications of pathogenicity. Review status: criteria provided, conflicting classifications (1 of 4 stars). 2 submissions from 2 submitters: Pathogenic (1); Uncertain significance (1). Last evaluated 2026-01-18.

Conditions:
Hereditary cancer-predisposing syndrome. Also called: Neoplastic Syndromes, Hereditary; Hereditary neoplastic syndrome; Tumor predisposition; Hereditary Cancer Syndrome. Identifiers: Orphanet 140162, MedGen C0027672, MeSH D009386, MONDO:0015356.

Allele frequency attached by ClinVar (database versions not stated): gnomAD exomes below 0.00001; TOPMed below 0.00001; ExAC 0.00001.
gnomAD v4.1: 3 of 1,613,970 alleles (0.00019%); highest among the groups gnomAD compares: Non-Finnish European, 0.00025%; no homozygotes.

Submissions (2):

Labcorp Genetics (formerly Invitae), Labcorp
Classification: Pathogenic. Last evaluated: 2026-01-18. Review status: criteria provided, single submitter. Criteria: Invitae Variant Classification Sherloc (09022015). Collection method: clinical testing. Allele origin: germline.
Comment: This sequence change creates a premature translational stop signal (p.Gln2035*) in the POLE gene. It is expected to result in an absent or disrupted protein product. Loss-of-function variants in POLE are known to be pathogenic (PMID: 23230001, 25948378, 30503519). This variant is present in population databases (rs757478410, gnomAD no frequency). This premature translational stop signal has been observed in individual(s) with breast cancer (PMID: 29625052). ClinVar contains an entry for this variant (Variation ID: 577590). For these reasons, this variant has been classified as Pathogenic.

Ambry Genetics
Classification: Uncertain significance for Hereditary cancer-predisposing syndrome. Last evaluated: 2026-01-08. Review status: criteria provided, single submitter. Criteria: Ambry Variant Classification Scheme 2023. Collection method: clinical testing. Allele origin: germline.
Comment: The p.Q2035* variant (also known as c.6103C>T), located in coding exon 44 of the POLE gene, results from a C to T substitution at nucleotide position 6103. This changes the amino acid from a glutamine to a stop codon within coding exon 44. This alteration is expected to result in loss of function by premature protein truncation or nonsense-mediated mRNA decay. Although biallelic loss of function of POLE has been associated with autosomal recessive POLE deficiency, haploinsufficiency of POLE has not been established as a mechanism of disease for POLE-related polymerase proofreading-associated polyposis (PPAP) and POLE-related CMMRD-like syndrome. Based on the supporting evidence, this variant is expected to be causative of POLE deficiency when present along with a second pathogenic variant on the other allele; however, its clinical significance for PPAP and POLE-related CMMRD-like syndrome is unclear.

Literature cited by the submitters: PubMed 23230001 (cited by Labcorp Genetics (formerly Invitae), Labcorp); PubMed 25948378 (cited by Labcorp Genetics (formerly Invitae), Labcorp); PubMed 30503519 (cited by Labcorp Genetics (formerly Invitae), Labcorp); PubMed 29625052 (cited by Labcorp Genetics (formerly Invitae), Labcorp).